The following is an entry in ClinVar:

ClinVar aggregate classification (germline): Uncertain significance (1 of 4 stars; one submission).

Submission:

Labcorp Genetics (formerly Invitae), Labcorp
Classification: Uncertain significance. Last evaluated: 2023-09-03. Review status: criteria provided, single submitter. Criteria: Invitae Variant Classification Sherloc (09022015). Collection method: clinical testing. Allele origin: germline.
Comment: In summary, the available evidence is currently insufficient to determine the role of this variant in disease. Therefore, it has been classified as a Variant of Uncertain Significance. An algorithm developed to predict the effect of missense changes on protein structure and function (PolyPhen-2) suggests that this variant is likely to be tolerated. This variant has not been reported in the literature in individuals affected with CEP89-related conditions. This variant is not present in population databases (gnomAD no frequency). This sequence change replaces aspartic acid, which is acidic and polar, with asparagine, which is neutral and polar, at codon 125 of the CEP89 protein (p.Asp125Asn).

NM_032816.5(CEP89):c.373G>A (p.Asp125Asn)

Gene: CEP89 (centrosomal protein 89; minus strand). Cytogenetic location: 19q13.11.
Variant type: single nucleotide variant.
Coding change: c.373G>A on transcript NM_032816.5 (MANE Select); coding-DNA position 373, G replaced by A.
Protein change: p.Asp125Asn; replaces aspartic acid 125 with asparagine.
Molecular consequence: missense variant.
Genome position (GRCh38, 1-based): chr19:32,953,734, C>T on the plus strand (G>A on the coding strand, the complement: CEP89 is on the minus strand). VCF-style: chr19-32953734-C-T. GRCh37 (hg19) VCF-style: chr19-33444640-C-T.
Other names: short protein forms D125N.
Identifiers: ClinVar variation 2757547 (VCV002757547.3), dbSNP rs2513756084, ClinGen allele CA405195523.